The following is an entry in ClinVar:

NM_025137.4(SPG11):c.130C>T (p.Arg44Trp)

Gene: SPG11 (SPG11 vesicle trafficking associated, spatacsin; minus strand). Cytogenetic location: 15q21.1.
Variant type: single nucleotide variant.
Coding change: c.130C>T on transcript NM_025137.4 (MANE Select); coding-DNA position 130, C replaced by T.
Protein change: p.Arg44Trp; replaces arginine 44 with tryptophan.
Molecular consequence: missense variant.
Genome position (GRCh38, 1-based): chr15:44,663,518, G>A on the plus strand (C>T on the coding strand, the complement: SPG11 is on the minus strand). VCF-style: chr15-44663518-G-A. GRCh37 (hg19) VCF-style: chr15-44955716-G-A.
Other names: c.130C>T, p.Arg44Trp (NM_001160227.2); short protein forms R44W.
Identifiers: ClinVar variation 1042082 (VCV001042082.11), dbSNP rs1304995096, ClinGen allele CA392238723.

ClinVar aggregate classification (germline): Uncertain significance. Review status: criteria provided, multiple submitters, no conflicts (2 of 4 stars). 6 submissions from 4 submitters: Uncertain significance (6). Last evaluated 2024-10-24.

Conditions:
Hereditary spastic paraplegia. Also called: Familial spastic paraparesis. Identifiers: Orphanet 685, MedGen C0037773, MONDO:0019064. Disease mechanism: loss of function.
Charcot-Marie-Tooth disease axonal type 2X. Also called: CHARCOT-MARIE-TOOTH DISEASE, AXONAL, AUTOSOMAL RECESSIVE, TYPE 2X; CHARCOT-MARIE-TOOTH NEUROPATHY, TYPE 2X. Identifiers: Orphanet 466775, MedGen C5569024, MONDO:0014726, OMIM 616668.
Amyotrophic lateral sclerosis type 5 (ALS5). Also called: AMYOTROPHIC LATERAL SCLEROSIS 5, JUVENILE. Identifiers: Orphanet 300605, MedGen C1865864, MONDO:0011196, OMIM 602099.
Hereditary spastic paraplegia 11. Also called: Spastic paraplegia, mental retardation and thin corpus callosum; SPASTIC PARAPLEGIA, AUTOSOMAL RECESSIVE, COMPLICATED, WITH THIN CORPUS CALLOSUM; SPASTIC PARAPLEGIA, AUTOSOMAL RECESSIVE, WITH MENTAL IMPAIRMENT AND THIN CORPUS CALLOSUM; Spastic Paraplegia 11; Nakamura Osame syndrome; Autosomal recessive hereditary spastic paraplegia, mental impairment, and thin corpus callosum. Identifiers: Orphanet 2822, MedGen C1858479, MONDO:0011445, OMIM 604360.

Allele frequency attached by ClinVar (database versions not stated): TOPMed 0.00001; gnomAD exomes below 0.00001; gnomAD 0.00001.
gnomAD v4.1: 16 of 1,596,684 alleles (0.001%); highest among the groups gnomAD compares: Non-Finnish European, 0.0014%; no homozygotes.

Submissions (6):

Women's Health and Genetics/Laboratory Corporation of America, LabCorp
Classification: Uncertain significance. Last evaluated: 2024-10-24. Review status: criteria provided, single submitter. Criteria: LabCorp Variant Classification Summary - May 2015. Collection method: clinical testing. Allele origin: germline.
Comment: Variant summary: SPG11 c.130C>T (p.Arg44Trp) results in a non-conservative amino acid change in the encoded protein sequence. Five of five in-silico tools predict a damaging effect of the variant on protein function. The variant allele was found at a frequency of 4.8e-06 in 206932 control chromosomes. The available data on variant occurrences in the general population are insufficient to allow any conclusion about variant significance. To our knowledge, no occurrence of c.130C>T in individuals affected with Hereditary Spastic Paraplegia, Type 11 and no experimental evidence demonstrating its impact on protein function have been reported. ClinVar contains an entry for this variant (Variation ID: 1042082). Based on the evidence outlined above, the variant was classified as uncertain significance.

Labcorp Genetics (formerly Invitae), Labcorp
Classification: Uncertain significance for Hereditary spastic paraplegia 11. Last evaluated: 2022-05-25. Review status: criteria provided, single submitter. Criteria: Invitae Variant Classification Sherloc (09022015). Collection method: clinical testing. Allele origin: germline.
Comment: This sequence change replaces arginine, which is basic and polar, with tryptophan, which is neutral and slightly polar, at codon 44 of the SPG11 protein (p.Arg44Trp). The frequency data for this variant in the population databases is considered unreliable, as metrics indicate poor data quality at this position in the gnomAD database. This variant has not been reported in the literature in individuals affected with SPG11-related conditions. ClinVar contains an entry for this variant (Variation ID: 1042082). Algorithms developed to predict the effect of missense changes on protein structure and function are either unavailable or do not agree on the potential impact of this missense change (SIFT: "Deleterious"; PolyPhen-2: "Benign"; Align-GVGD: "Class C0"). In summary, the available evidence is currently insufficient to determine the role of this variant in disease. Therefore, it has been classified as a Variant of Uncertain Significance.

Genome Diagnostics Laboratory, The Hospital for Sick Children
Classification: Uncertain significance for Hereditary spastic paraplegia. Last evaluated: 2018-11-01. Review status: criteria provided, single submitter. Criteria: ACMG Guidelines, 2015. Collection method: clinical testing. Allele origin: germline. Affected: yes.

Genome-Nilou Lab
Classification: Uncertain significance for Amyotrophic lateral sclerosis type 5. Review status: criteria provided, single submitter. Criteria: ACMG Guidelines, 2015. Collection method: clinical testing. Allele origin: germline.

Genome-Nilou Lab
Classification: Uncertain significance for Charcot-Marie-Tooth disease axonal type 2X. Review status: criteria provided, single submitter. Criteria: ACMG Guidelines, 2015. Collection method: clinical testing. Allele origin: germline.

Genome-Nilou Lab
Classification: Uncertain significance for Hereditary spastic paraplegia 11. Review status: criteria provided, single submitter. Criteria: ACMG Guidelines, 2015. Collection method: clinical testing. Allele origin: germline.